The following is an entry in ClinVar:

NM_198859.4(PRICKLE2):c.635G>A (p.Gly212Glu)

Gene: PRICKLE2 (prickle planar cell polarity protein 2; minus strand). Cytogenetic location: 3p14.1.
Variant type: single nucleotide variant.
Coding change: c.635G>A on transcript NM_198859.4 (MANE Select); coding-DNA position 635, G replaced by A.
Protein change: p.Gly212Glu; replaces glycine 212 with glutamic acid.
Molecular consequence: missense variant.
Genome position (GRCh38, 1-based): chr3:64,153,334, C>T on the plus strand (G>A on the coding strand, the complement: PRICKLE2 is on the minus strand). VCF-style: chr3-64153334-C-T. GRCh37 (hg19) VCF-style: chr3-64139010-C-T.
Other names: c.635G>A, p.Gly212Glu (NM_001370528.1); short protein forms G212E.
Identifiers: ClinVar variation 1431298 (VCV001431298.8), dbSNP rs779069863, ClinGen allele CA2479774.

ClinVar aggregate classification (germline): Uncertain significance (1 of 4 stars; one submission).

Conditions:
Progressive myoclonic epilepsy type 5. Identifiers: Orphanet 402082, MedGen C5190799.

Allele frequency attached by ClinVar (database versions not stated): TOPMed 0.00001; gnomAD exomes 0.00008 and 0.00019; ExAC 0.00020.
gnomAD v4.1: 117 of 1,614,096 alleles (0.0072%); highest among the groups gnomAD compares: South Asian, 0.13%; 2 homozygotes.

Submission:

Labcorp Genetics (formerly Invitae), Labcorp
Classification: Uncertain significance for Progressive myoclonic epilepsy type 5. Last evaluated: 2022-08-23. Review status: criteria provided, single submitter. Criteria: Invitae Variant Classification Sherloc (09022015). Collection method: clinical testing. Allele origin: germline.
Comment: This sequence change replaces glycine, which is neutral and non-polar, with glutamic acid, which is acidic and polar, at codon 212 of the PRICKLE2 protein (p.Gly212Glu). This variant is present in population databases (rs779069863, gnomAD 0.1%), and has an allele count higher than expected for a pathogenic variant. This variant has not been reported in the literature in individuals affected with PRICKLE2-related conditions. Algorithms developed to predict the effect of missense changes on protein structure and function (SIFT, PolyPhen-2, Align-GVGD) all suggest that this variant is likely to be disruptive. In summary, the available evidence is currently insufficient to determine the role of this variant in disease. Therefore, it has been classified as a Variant of Uncertain Significance.